The following is an entry in ClinVar:

NM_030632.3(ASXL3):c.1597G>C (p.Val533Leu)

Gene: ASXL3 (ASXL transcriptional regulator 3; plus strand). Cytogenetic location: 18q12.1.
Variant type: single nucleotide variant.
Coding change: c.1597G>C on transcript NM_030632.3 (MANE Select); coding-DNA position 1597, G replaced by C.
Protein change: p.Val533Leu; replaces valine 533 with leucine.
Molecular consequence: missense variant.
Genome position (GRCh38, 1-based): chr18:33,739,001, G>C. VCF-style: chr18-33739001-G-C. GRCh37 (hg19) VCF-style: chr18-31318965-G-C.
Other names: short protein forms V533L.
Identifiers: ClinVar variation 3361368 (VCV003361368.1).

ClinVar aggregate classification (germline): Uncertain significance (1 of 4 stars; one submission).

Submission:

GeneDx
Classification: Uncertain significance. Last evaluated: 2023-07-25. Review status: criteria provided, single submitter. Criteria: GeneDx Variant Classification Process June 2021. Collection method: clinical testing. Allele origin: germline. Affected: yes.
Comment: Has not been previously published as pathogenic or benign to our knowledge; Not observed at significant frequency in large population cohorts (gnomAD); In silico analysis supports that this missense variant does not alter protein structure/function